The following is an entry in ClinVar:

NM_000540.3(RYR1):c.7549T>C (p.Phe2517Leu)

Gene: RYR1 (ryanodine receptor 1; plus strand). Cytogenetic location: 19q13.2.
Variant type: single nucleotide variant.
Coding change: c.7549T>C on transcript NM_000540.3 (MANE Select); coding-DNA position 7549, T replaced by C.
Protein change: p.Phe2517Leu; replaces phenylalanine 2517 with leucine.
Molecular consequence: missense variant.
Genome position (GRCh38, 1-based): chr19:38,500,925, T>C. VCF-style: chr19-38500925-T-C. GRCh37 (hg19) VCF-style: chr19-38991565-T-C.
Other names: c.7549T>C, p.Phe2517Leu (NM_001042723.2); short protein forms F2517L.
Identifiers: ClinVar variation 4756193 (VCV004756193.1).

ClinVar aggregate classification (germline): Uncertain significance (1 of 4 stars; one submission).

Conditions:
Malignant hyperthermia, susceptibility to, 1 (MHS1). Also called: RYR1-Related Malignant Hyperthermia Susceptibility; Malignant hyperthermia suceptibility 1; Anesthesia related hyperthermia; Malignant hyperpyrexia; Fulminating hyperpyrexia; Pharmacogenic myopathy. Identifiers: Orphanet 423, MedGen C2930980, MONDO:0007783, OMIM 145600.

Submission:

Color Diagnostics, LLC DBA Color Health
Classification: Uncertain significance for Malignant hyperthermia, susceptibility to, 1. Last evaluated: 2025-08-17. Review status: criteria provided, single submitter. Criteria: ACMG Guidelines, 2015. Collection method: clinical testing. Allele origin: germline.
Comment: This missense variant replaces phenylalanine with leucine at codon 2517 of the RYR1 protein. Computational prediction suggests that this variant may have deleterious impact on protein structure and function. To our knowledge, functional studies have not been reported for this variant. This variant has not been reported in individuals affected with RYR1-related disorders in the literature. This variant has not been identified in the general population by the Genome Aggregation Database (gnomAD). The available evidence is insufficient to determine the role of this variant in disease conclusively. Therefore, this variant is classified as a Variant of Uncertain Significance.